The following is an entry in ClinVar:

NM_006648.4(WNK2):c.2252C>T (p.Pro751Leu)

Gene: WNK2 (WNK lysine deficient protein kinase 2; plus strand). Cytogenetic location: 9q22.31.
Variant type: single nucleotide variant.
Coding change: c.2252C>T on transcript NM_006648.4 (MANE Select); coding-DNA position 2252, C replaced by T.
Protein change: p.Pro751Leu; replaces proline 751 with leucine.
Molecular consequence: missense variant.
Genome position (GRCh38, 1-based): chr9:93,257,009, C>T. VCF-style: chr9-93257009-C-T. GRCh37 (hg19) VCF-style: chr9-96019291-C-T.
Other names: c.2252C>T, p.Pro751Leu (NM_001282394.3); short protein forms P751L.
Identifiers: ClinVar variation 4866620 (VCV004866620.1).

ClinVar aggregate classification (germline): Uncertain significance (1 of 4 stars; one submission).

Submission:

Ambry Genetics
Classification: Uncertain significance. Last evaluated: 2026-04-23. Review status: criteria provided, single submitter. Criteria: Ambry Variant Classification Scheme 2023. Collection method: clinical testing. Allele origin: germline.
Comment: The p.P751L variant (also known as c.2252C>T), located in coding exon 10 of the WNK2 gene, results from a C to T substitution at nucleotide position 2252. The proline at codon 751 is replaced by leucine, an amino acid with similar properties. This amino acid position is conserved. In addition, this alteration is predicted to be tolerated by in silico analysis. Based on the available evidence, the clinical significance of this variant remains unclear.